The following is an entry in ClinVar:

NM_144773.4(PROKR2):c.742C>T (p.Arg248Trp)

Gene: PROKR2 (prokineticin receptor 2; minus strand). Cytogenetic location: 20p12.3.
Variant type: single nucleotide variant.
Coding change: c.742C>T on transcript NM_144773.4 (MANE Select); coding-DNA position 742, C replaced by T.
Protein change: p.Arg248Trp; replaces arginine 248 with tryptophan.
Molecular consequence: missense variant.
Genome position (GRCh38, 1-based): chr20:5,302,453, G>A on the plus strand (C>T on the coding strand, the complement: PROKR2 is on the minus strand). VCF-style: chr20-5302453-G-A. GRCh37 (hg19) VCF-style: chr20-5283099-G-A.
Other names: short protein forms R248W.
Identifiers: ClinVar variation 100889 (VCV000100889.7), dbSNP rs483352766, ClinGen allele CA229206.
Genomic context (GRCh38, chr20:5,302,453, plus strand): 5'-GCAGCCGCTTGCGAATCTGCTCCGTCTGGAACCCAGGGACTGCCTTGAACCAGAGCTCCC[G>A]GGAGATCCTGGCATAGCACAGGGTCATGGTGACCACAGGGCCCACGAACTCGACACCAAA-3'
Protein context (NP_658986.1, residues 238-258): TMTLCYARIS[Arg248Trp]ELWFKAVPGF

ClinVar aggregate classification (germline): Uncertain significance. Review status: criteria provided, multiple submitters, no conflicts (2 of 4 stars). 4 submissions from 3 submitters: Uncertain significance (2). 2 of the submissions do not count toward it. Last evaluated 2023-12-20.

Conditions:
Hypogonadotropic hypogonadism 3 with or without anosmia (HH3). Also called: HYPOGONADOTROPIC HYPOGONADISM 3 WITH ANOSMIA; PROKR2-Related GnRH Deficiency (Kallmann Syndrome 3). Identifiers: Orphanet 478, MedGen C3550478, MONDO:0009482, OMIM 244200.

Allele frequency attached by ClinVar (database versions not stated): ExAC 0.00001; gnomAD exomes 0.00001; gnomAD 0.00003 and 0.00004; TOPMed 0.00003.
gnomAD v4.1: 19 of 1,614,076 alleles (0.0012%); highest among the groups gnomAD compares: East Asian, 0.0045%; no homozygotes.

Submissions (4):

Fulgent Genetics
Classification: Uncertain significance for Hypogonadotropic hypogonadism 3 with or without anosmia. Last evaluated: 2023-12-20. Review status: criteria provided, single submitter. Criteria: ACMG Guidelines, 2015. Collection method: clinical testing. Allele origin: germline.

Greenwood Genetic Center Diagnostic Laboratories, Greenwood Genetic Center
Classification: Uncertain significance. Last evaluated: 2022-06-01. Review status: criteria provided, single submitter. Criteria: ACMG Guidelines, 2015. Collection method: clinical testing. Allele origin: germline. Affected: yes.
Comment: PS3_Moderate, PM2

Richard Lifton Laboratory, Yale University School of Medicine
Classification: Uncertain significance. Review status: no assertion criteria provided. Collection method: not provided. Allele origin: somatic. Not counted in ClinVar's aggregate classification.
Comment: PROKR2:p.R248W
ClinVar note: Converted during submission from unknown to Uncertain significance.

Richard Lifton Laboratory, Yale University School of Medicine
Classification: Uncertain significance. Review status: flagged submission. Collection method: not provided. Allele origin: somatic. Not counted in ClinVar's aggregate classification.
ClinVar note: Converted during submission from unknown to Uncertain significance.
ClinVar note: Reason: This record appears to be redundant with a more recent record from the same submitter.
ClinVar note: Notes: SCV000120114 appears to be redundant with SCV000155218.